The following is an entry in ClinVar:

NM_005359.6(SMAD4):c.509C>T (p.Pro170Leu)

Gene: SMAD4 (SMAD family member 4; plus strand). Cytogenetic location: 18q21.2.
Variant type: single nucleotide variant.
Coding change: c.509C>T on transcript NM_005359.6 (MANE Select); coding-DNA position 509, C replaced by T.
Protein change: p.Pro170Leu; replaces proline 170 with leucine.
Molecular consequence: missense variant. On other transcripts: non-coding transcript variant (2).
Genome position (GRCh38, 1-based): chr18:51,054,835, C>T. VCF-style: chr18-51054835-C-T. GRCh37 (hg19) VCF-style: chr18-48581205-C-T.
Other names: c.509C>T, p.Pro170Leu (NM_001407041.1, NM_001407042.1, NM_001407043.1); short protein forms P170L.
Identifiers: ClinVar variation 4170055 (VCV004170055.1).
Genomic context (GRCh38, chr18:51,054,835, plus strand): 5'-ATATAGCTCCATCAAGTATGATGGTGAAGGATGAATATGTGCATGACTTTGAGGGACAGC[C>T]ATCGTTGTCCACTGAAGGACATTCAATTCAAACCATCCAGCATCCACCAAGTAATCGTGC-3'
Protein context (NP_005350.1, residues 160-180): DEYVHDFEGQ[Pro170Leu]SLSTEGHSIQ

ClinVar aggregate classification (germline): Uncertain significance (1 of 4 stars; one submission).

Conditions:
Familial thoracic aortic aneurysm and aortic dissection (TAAD). Also called: Thoracic aortic aneurysms and dissections. Identifiers: Orphanet 91387, MedGen C4707243, MONDO:0019625.
Hereditary cancer-predisposing syndrome. Also called: Neoplastic Syndromes, Hereditary; Tumor predisposition; Hereditary Cancer Syndrome; Hereditary neoplastic syndrome. Identifiers: Orphanet 140162, MedGen C0027672, MeSH D009386, MONDO:0015356.

Submission:

Ambry Genetics
Classification: Uncertain significance for Hereditary cancer-predisposing syndrome; Familial thoracic aortic aneurysm and aortic dissection. Last evaluated: 2025-09-12. Review status: criteria provided, single submitter. Criteria: Ambry Variant Classification Scheme 2023. Collection method: clinical testing. Allele origin: germline.
Comment: The p.P170L variant (also known as c.509C>T), located in coding exon 4 of the SMAD4 gene, results from a C to T substitution at nucleotide position 509. The proline at codon 170 is replaced by leucine, an amino acid with similar properties. This amino acid position is well conserved in available vertebrate species. In addition, the in silico prediction for this alteration is inconclusive. Based on the available evidence, the clinical significance of this variant remains unclear.